The following is an entry in ClinVar:

NM_004006.3(DMD):c.9076C>T (p.Leu3026Phe)

Gene: DMD (dystrophin; minus strand). Cytogenetic location: Xp21.2.
Variant type: single nucleotide variant.
Coding change: c.9076C>T on transcript NM_004006.3 (MANE Select); coding-DNA position 9076, C replaced by T.
Protein change: p.Leu3026Phe; replaces leucine 3026 with phenylalanine.
Molecular consequence: missense variant.
Genome position (GRCh38, 1-based): chrX:31,444,489, G>A on the plus strand (C>T on the coding strand, the complement: DMD is on the minus strand). VCF-style: chrX-31444489-G-A. GRCh37 (hg19) VCF-style: chrX-31462606-G-A.
Other names: c.9052C>T, p.Leu3018Phe (NM_000109.4); c.9064C>T, p.Leu3022Phe (NM_004009.3); c.8707C>T, p.Leu2903Phe (NM_004010.3); c.5053C>T, p.Leu1685Phe (NM_004011.4); c.5044C>T, p.Leu1682Phe (NM_004012.4); c.1696C>T, p.Leu566Phe (NM_004013.3, NM_004020.4, NM_004021.3 and 2 more transcripts); c.889C>T, p.Leu297Phe (NM_004014.3); short protein forms L1682F, L1685F, L2903F, L297F, L3018F, L3022F, L3026F, L566F.
Identifiers: ClinVar variation 1305940 (VCV001305940.7), dbSNP rs749533073, ClinGen allele CA10377928.

ClinVar aggregate classification (germline): Conflicting classifications of pathogenicity. Review status: criteria provided, conflicting classifications (1 of 4 stars). 3 submissions from 3 submitters: Uncertain significance (2); Benign (1). Last evaluated 2024-09-28.

Conditions:
Duchenne muscular dystrophy (DMD). Also called: MUSCULAR DYSTROPHY, PSEUDOHYPERTROPHIC PROGRESSIVE, DUCHENNE TYPE; Duchenne Muscular Dystrophy (DMD). Identifiers: Orphanet 98896, MedGen C0013264, MONDO:0010679, OMIM 310200.
Cardiovascular phenotype. Identifiers: MedGen CN230736.

Allele frequency attached by ClinVar (database versions not stated): gnomAD 0.00001; gnomAD exomes 0.00002; ExAC 0.00003.
gnomAD v4.1: 8 of 1,209,798 alleles (0.00066%); highest among the groups gnomAD compares: South Asian, 0.014%; no homozygotes.

Submissions (3):

Labcorp Genetics (formerly Invitae), Labcorp
Classification: Benign for Duchenne muscular dystrophy. Last evaluated: 2024-09-28. Review status: criteria provided, single submitter. Criteria: Invitae Variant Classification Sherloc (09022015). Collection method: clinical testing. Allele origin: germline.

Ambry Genetics
Classification: Uncertain significance for Cardiovascular phenotype. Last evaluated: 2022-07-06. Review status: criteria provided, single submitter. Criteria: Ambry Variant Classification Scheme 2023. Collection method: clinical testing. Allele origin: germline.
Comment: The p.L3026F variant (also known as c.9076C>T), located in coding exon 60 of the DMD gene, results from a C to T substitution at nucleotide position 9076. The leucine at codon 3026 is replaced by phenylalanine, an amino acid with highly similar properties. Based on data from gnomAD, the T allele has an overall frequency of 0.002% (3/183378) total alleles studied, with 3 hemizygote(s) observed. The highest observed frequency was 0.02% (3/19078) of South Asian alleles. This amino acid position is well conserved in available vertebrate species. In addition, this alteration is predicted to be tolerated by in silico analysis. Since supporting evidence is limited at this time, the clinical significance of this alteration remains unclear.

GeneDx
Classification: Uncertain significance. Last evaluated: 2019-05-15. Review status: criteria provided, single submitter. Criteria: GeneDx Variant Classification Process June 2021. Collection method: clinical testing. Allele origin: germline. Affected: yes.
Comment: Has not been previously published as pathogenic or benign to our knowledge; In silico analysis, which includes protein predictors and evolutionary conservation, supports a deleterious effect

Literature cited by the submitters: PubMed 25133751 (cited by Ambry Genetics).